The following is an entry in ClinVar:

ClinVar aggregate classification (germline): Benign. Review status: criteria provided, multiple submitters, no conflicts (2 of 4 stars). 2 submissions from 2 submitters: Benign (2). Last evaluated 2025-04-09.

Allele frequency attached by ClinVar (database versions not stated): TOPMed 0.48690; gnomAD 0.50289 and 0.51307.
gnomAD v4.1: 215,919 of 435,004 alleles (50%); highest among the groups gnomAD compares: African/African-American, 54%; 56,878 homozygotes.

Submissions (2):

Molecular Diagnostic Laboratory for Inherited Cardiovascular Disease, Montreal Heart Institute
Classification: Benign. Last evaluated: 2025-04-09. Review status: criteria provided, single submitter. Criteria: ACMG Guidelines, 2015. Collection method: clinical testing. Allele origin: germline. Affected: no.

GeneDx
Classification: Benign. Last evaluated: 2018-06-14. Review status: criteria provided, single submitter. Criteria: GeneDx Variant Classification (06012015). Collection method: clinical testing. Allele origin: germline. Affected: yes.
Comment: This variant is considered likely benign or benign based on one or more of the following criteria: it is a conservative change, it occurs at a poorly conserved position in the protein, it is predicted to be benign by multiple in silico algorithms, and/or has population frequency not consistent with disease.

NM_006073.4(TRDN):c.392-148C>T

Gene: TRDN (triadin; minus strand). Cytogenetic location: 6q22.31.
Variant type: single nucleotide variant.
Coding change: c.392-148C>T on transcript NM_006073.4 (MANE Select); 148 bases into the intron before coding-DNA position 392, C replaced by T.
Molecular consequence: intron variant.
Genome position (GRCh38, 1-based): chr6:123,547,520, G>A on the plus strand (C>T on the coding strand, the complement: TRDN is on the minus strand). VCF-style: chr6-123547520-G-A. GRCh37 (hg19) VCF-style: chr6-123868665-G-A.
Other names: c.392-148C>T (NM_001251987.2, NM_001256020.2, NM_001256021.2 and 1 more transcripts).
Identifiers: ClinVar variation 674792 (VCV000674792.2), dbSNP rs7450199, ClinGen allele CA147297069.